The following is an entry in ClinVar:

NM_003742.4(ABCB11):c.909-17G>A

Gene: ABCB11 (ATP binding cassette subfamily B member 11; minus strand). Cytogenetic location: 2q31.1.
Variant type: single nucleotide variant.
Coding change: c.909-17G>A on transcript NM_003742.4 (MANE Select); 17 bases into the intron before coding-DNA position 909, G replaced by A.
Molecular consequence: intron variant.
Genome position (GRCh38, 1-based): chr2:168,986,301, C>T on the plus strand (G>A on the coding strand, the complement: ABCB11 is on the minus strand). VCF-style: chr2-168986301-C-T. GRCh37 (hg19) VCF-style: chr2-169842811-C-T.
Other names: p.?; c.909-17G>A (LRG_1199t1).
Identifiers: ClinVar variation 259159 (VCV000259159.10), dbSNP rs7602204, ClinGen allele CA1951756.
Genomic context (GRCh38, chr2:168,986,301, plus strand): 5'-TTCTAATTCCCCAACGCTGGGCGAACACAAGATTTTTCTCATACCTGTGAAGACAAAATG[C>T]TTGAGTCAATTTCGGCAGAAACAGCTCAAGTTATAATGTTTAAAACAGGCCGTGATGCAG-3'

ClinVar aggregate classification (germline): Benign. Review status: criteria provided, multiple submitters, no conflicts (2 of 4 stars). 8 submissions from 8 submitters: Benign (8). Last evaluated 2026-04-14.

Conditions:
Familial intrahepatic cholestasis. Identifiers: Orphanet 284385, MedGen CN296401, MONDO:0017290.

Allele frequency attached by ClinVar (database versions not stated): gnomAD exomes 0.02656 and 0.03906; ExAC 0.04408; ESP Exome Variant Server 0.09652; gnomAD 0.10630 and 0.11221; TOPMed 0.11816; 1000 Genomes Project 0.12161; 1000 Genomes Project 30x 0.12617.
gnomAD v4.1: 55,396 of 1,606,816 alleles (3.4%); highest among the groups gnomAD compares: African/African-American, 32%; 4,404 homozygotes.

Submissions (8):

Genomenon, Inc
Classification: Benign for Familial intrahepatic cholestasis. Last evaluated: 2026-04-14. Review status: criteria provided, single submitter. Criteria: Genomenon Sequence Variant Interpretation Standards - Updated. Collection method: curation. Allele origin: germline. Affected: no.
Comment: ABCB11 c.909-17G>A is an intronic variant located in the acceptor splice region of intron 9. This variant is present at high allele frequency in population databases. In conclusion, we classify ABCB11 c.909-17G>A as a benign variant.

Women's Health and Genetics/Laboratory Corporation of America, LabCorp
Classification: Benign. Last evaluated: 2026-02-09. Review status: criteria provided, single submitter. Criteria: LabCorp Variant Classification Summary - May 2015. Collection method: clinical testing. Allele origin: germline.

Labcorp Genetics (formerly Invitae), Labcorp
Classification: Benign. Last evaluated: 2026-02-04. Review status: criteria provided, single submitter. Criteria: Invitae Variant Classification Sherloc (09022015). Collection method: clinical testing. Allele origin: germline.

Blueprint Genetics
Classification: Benign. Last evaluated: 2024-11-26. Review status: criteria provided, single submitter. Criteria: ACMG Guidelines, 2015. Collection method: clinical testing. Allele origin: germline.

Mayo Clinic Laboratories, Mayo Clinic
Classification: Benign. Last evaluated: 2022-05-05. Review status: criteria provided, single submitter. Criteria: ACMG Guidelines, 2015. Collection method: clinical testing. Allele origin: germline. Observed: 92 variant alleles.

GeneDx
Classification: Benign. Last evaluated: 2016-01-27. Review status: criteria provided, single submitter. Criteria: GeneDx Variant Classification (06012015). Collection method: clinical testing. Allele origin: germline. Affected: yes.
Comment: This variant is considered likely benign or benign based on one or more of the following criteria: it is a conservative change, it occurs at a poorly conserved position in the protein, it is predicted to be benign by multiple in silico algorithms, and/or has population frequency not consistent with disease.

Breakthrough Genomics
Classification: Benign. Review status: criteria provided, single submitter. Criteria: ACMG Guidelines, 2015. Collection method: not provided. Allele origin: germline. Inheritance: Autosomal recessive inheritance. Affected: yes.

PreventionGenetics, part of Exact Sciences
Classification: Benign. Review status: criteria provided, single submitter. Criteria: ACMG Guidelines, 2015. Collection method: clinical testing. Allele origin: germline.